The following is an entry in ClinVar:

NM_003924.4(PHOX2B):c.80C>T (p.Ala27Val)

Genes: PHOX2B (paired like homeobox 2B; minus strand), PHOX2B-AS1 (PHOX2B antisense RNA 1; plus strand). Cytogenetic location: 4p13.
Variant type: single nucleotide variant.
Coding change: c.80C>T on transcript NM_003924.4 (MANE Select); coding-DNA position 80, C replaced by T.
Protein change: p.Ala27Val; replaces alanine 27 with valine.
Molecular consequence: missense variant. On other transcripts: non-coding transcript variant (1).
Genome position (GRCh38, 1-based): chr4:41,748,531, G>A on the plus strand (C>T on the coding strand, the complement: PHOX2B is on the minus strand). VCF-style: chr4-41748531-G-A. GRCh37 (hg19) VCF-style: chr4-41750548-G-A.
Other names: short protein forms A27V.
Identifiers: ClinVar variation 4861803 (VCV004861803.1).

ClinVar aggregate classification (germline): Uncertain significance (1 of 4 stars; one submission).

Conditions:
Hereditary cancer-predisposing syndrome. Also called: Neoplastic Syndromes, Hereditary; Tumor predisposition; Hereditary Cancer Syndrome; Hereditary neoplastic syndrome. Identifiers: Orphanet 140162, MedGen C0027672, MeSH D009386, MONDO:0015356.

Submission:

Ambry Genetics
Classification: Uncertain significance for Hereditary cancer-predisposing syndrome. Last evaluated: 2026-03-15. Review status: criteria provided, single submitter. Criteria: Ambry Variant Classification Scheme 2023. Collection method: clinical testing. Allele origin: germline.
Comment: The p.A27V variant (also known as c.80C>T), located in coding exon 1 of the PHOX2B gene, results from a C to T substitution at nucleotide position 80. The alanine at codon 27 is replaced by valine, an amino acid with similar properties. This amino acid position is conserved. In addition, the in silico prediction for this alteration is inconclusive. Based on the available evidence, the clinical significance of this variant remains unclear.